The following is an entry in ClinVar:

NM_001098.3(ACO2):c.1032+17C>T

Gene: ACO2 (aconitase 2; plus strand). Cytogenetic location: 22q13.2.
Variant type: single nucleotide variant.
Coding change: c.1032+17C>T on transcript NM_001098.3 (MANE Select); 17 bases into the intron after coding-DNA position 1032, C replaced by T.
Molecular consequence: intron variant.
Genome position (GRCh38, 1-based): chr22:41,518,589, C>T. VCF-style: chr22-41518589-C-T. GRCh37 (hg19) VCF-style: chr22-41914593-C-T.
Identifiers: ClinVar variation 136263 (VCV000136263.21), dbSNP rs203319, ClinGen allele CA289261.

ClinVar aggregate classification (germline): Benign. Review status: criteria provided, multiple submitters, no conflicts (2 of 4 stars). 9 submissions from 8 submitters: Benign (7). 2 of the submissions do not count toward it. Last evaluated 2026-02-03.

Conditions:
Optic atrophy 9 (OPA9). Identifiers: MedGen C4225384, MONDO:0014571, OMIM 616289.
Infantile cerebellar-retinal degeneration (ICRD). Identifiers: Orphanet 313850, MedGen C3281192, MONDO:0013802, OMIM 614559.

Allele frequency attached by ClinVar (database versions not stated): ESP Exome Variant Server 0.32393; gnomAD 0.33591; ExAC 0.33711; gnomAD exomes 0.35074; TOPMed 0.38376; 1000 Genomes Project 0.48442; 1000 Genomes Project 30x 0.48766.
gnomAD v4.1: 416,809 of 1,596,706 alleles (26%); highest among the groups gnomAD compares: Admixed American, 60%; 66,512 homozygotes.

Submissions (9):

Labcorp Genetics (formerly Invitae), Labcorp
Classification: Benign. Last evaluated: 2026-02-03. Review status: criteria provided, single submitter. Criteria: Invitae Variant Classification Sherloc (09022015). Collection method: clinical testing. Allele origin: germline.

Blueprint Genetics
Classification: Benign. Last evaluated: 2024-11-28. Review status: criteria provided, single submitter. Criteria: ACMG Guidelines, 2015. Collection method: clinical testing. Allele origin: germline.

Genome-Nilou Lab
Classification: Benign for Optic atrophy 9. Last evaluated: 2021-07-14. Review status: criteria provided, single submitter. Criteria: ACMG Guidelines, 2015. Collection method: clinical testing. Allele origin: germline. Affected: no.

Genome-Nilou Lab
Classification: Benign for Infantile cerebellar-retinal degeneration. Last evaluated: 2021-07-14. Review status: criteria provided, single submitter. Criteria: ACMG Guidelines, 2015. Collection method: clinical testing. Allele origin: germline. Affected: no.

GeneDx
Classification: Benign. Last evaluated: 2013-09-06. Review status: criteria provided, single submitter. Criteria: GeneDx Variant Classification (06012015). Collection method: clinical testing. Allele origin: germline. Affected: yes.
Comment: This variant is considered likely benign or benign based on one or more of the following criteria: it is a conservative change, it occurs at a poorly conserved position in the protein, it is predicted to be benign by multiple in silico algorithms, and/or has population frequency not consistent with disease.

Breakthrough Genomics
Classification: Benign. Review status: criteria provided, single submitter. Criteria: ACMG Guidelines, 2015. Collection method: not provided. Allele origin: germline. Inheritance: Autosomal recessive inheritance. Affected: yes.

PreventionGenetics, part of Exact Sciences
Classification: Benign. Review status: criteria provided, single submitter. Criteria: ACMG Guidelines, 2015. Collection method: clinical testing. Allele origin: germline.

Diagnostic Laboratory, Department of Genetics, University Medical Center Groningen
Classification: Benign. Review status: no assertion criteria provided. Collection method: clinical testing. Allele origin: germline. Affected: yes. Study: VKGL Data-share Consensus. Not counted in ClinVar's aggregate classification.

Joint Genome Diagnostic Labs from Nijmegen and Maastricht, Radboudumc and MUMC+
Classification: Benign. Review status: no assertion criteria provided. Collection method: clinical testing. Allele origin: germline. Affected: yes. Study: VKGL Data-share Consensus. Not counted in ClinVar's aggregate classification.